The following is an entry in ClinVar:

ClinVar aggregate classification (germline): Uncertain significance. Review status: criteria provided, multiple submitters, no conflicts (2 of 4 stars). 4 submissions from 4 submitters: Uncertain significance (4). Last evaluated 2024-01-05.

Conditions:
DLC1-related disorder. Also called: DLC1-related condition.
Colorectal cancer. Also called: Colorectal cancer, somatic; Malignant Colorectal Neoplasm. Identifiers: MedGen C0346629, MONDO:0005575, OMIM 114500.

Allele frequency attached by ClinVar (database versions not stated): gnomAD 0.00001; TOPMed 0.00001.

Submissions (4):

Fulgent Genetics
Classification: Uncertain significance for Colorectal cancer. Last evaluated: 2024-01-05. Review status: criteria provided, single submitter. Criteria: ACMG Guidelines, 2015. Collection method: clinical testing. Allele origin: germline.

Ambry Genetics
Classification: Uncertain significance. Last evaluated: 2023-06-12. Review status: criteria provided, single submitter. Criteria: Ambry Variant Classification Scheme 2023. Collection method: clinical testing. Allele origin: germline.

PreventionGenetics, part of Exact Sciences
Classification: Uncertain significance for DLC1-related condition. Last evaluated: 2023-04-20. Review status: criteria provided, single submitter. Criteria: ACMG Guidelines, 2015. Collection method: clinical testing. Allele origin: germline.
Comment: The DLC1 c.1870G>T variant is predicted to result in the amino acid substitution p.Val624Phe. To our knowledge, this variant has not been reported in the literature. This variant is reported in 0.0040% of alleles in individuals of African descent in gnomAD. At this time, the clinical significance of this variant is uncertain due to the absence of conclusive functional and genetic evidence.

CeGaT Center for Human Genetics Tuebingen
Classification: Uncertain significance. Last evaluated: 2022-09-01. Review status: criteria provided, single submitter. Criteria: CeGaT Center For Human Genetics Tuebingen Variant Classification Criteria Version 2. Collection method: clinical testing. Allele origin: germline. Affected: yes. Observed: 1 variant allele.
Comment: DLC1: PM2, BP4

NM_182643.3(DLC1):c.1870G>T (p.Val624Phe)

Gene: DLC1 (DLC1 Rho GTPase activating protein; minus strand). Cytogenetic location: 8p22.
Variant type: single nucleotide variant.
Coding change: c.1870G>T on transcript NM_182643.3 (MANE Select); coding-DNA position 1870, G replaced by T.
Protein change: p.Val624Phe; replaces valine 624 with phenylalanine.
Molecular consequence: missense variant.
Genome position (GRCh38, 1-based): chr8:13,100,467, C>A on the plus strand (G>T on the coding strand, the complement: DLC1 is on the minus strand). VCF-style: chr8-13100467-C-A. GRCh37 (hg19) VCF-style: chr8-12957976-C-A.
Other names: c.337G>T, p.Val113Phe (NM_001164271.2, NM_001348082.2, NM_001348083.1 and 6 more transcripts); c.661G>T, p.Val221Phe (NM_001316668.2, NM_001413129.1); c.1870G>T, p.Val624Phe (NM_001348081.2, NM_001413124.1); c.652G>T, p.Val218Phe (NM_001413130.1); c.310G>T, p.Val104Phe (NM_001413131.1, NM_001413137.1); c.796G>T, p.Val266Phe (NM_001413132.1); c.559G>T, p.Val187Phe (NM_001413135.1, NM_001413136.1, NM_001413139.1 and 1 more transcripts); c.694G>T, p.Val232Phe (NM_001413140.1); short protein forms V104F, V113F, V266F, V624F, V221F, V187F, V218F, V232F.
Identifiers: ClinVar variation 2524956 (VCV002524956.27), dbSNP rs760347660, ClinGen allele CA172198341.